The following is an entry in ClinVar:

ClinVar aggregate classification (germline): Uncertain significance (1 of 4 stars; one submission).

Conditions:
Mandibulofacial dysostosis with alopecia (MFDA). Identifiers: Orphanet 443995, MedGen C4225349, MONDO:0014608, OMIM 616367.

Submission:

MVZ Medizinische Genetik Mainz
Classification: Uncertain significance for Mandibulofacial dysostosis with alopecia. Last evaluated: 2022-02-04. Review status: criteria provided, single submitter. Criteria: UK Practice Guidelines For Variant Classification V4 01 2020. Collection method: clinical testing. Allele origin: germline. Inheritance: Autosomal dominant inheritance. Affected: yes. Observed: 1 variant allele.
Comment: ACMG Criteria: PM2_SUP, PP3

NM_001957.4(EDNRA):c.955T>A (p.Trp319Arg)

Gene: EDNRA (endothelin receptor type A; plus strand). Cytogenetic location: 4q31.23.
Variant type: single nucleotide variant.
Coding change: c.955T>A on transcript NM_001957.4 (MANE Select); coding-DNA position 955, T replaced by A.
Protein change: p.Trp319Arg; replaces tryptophan 319 with arginine.
Molecular consequence: missense variant. On other transcripts: non-coding transcript variant (3).
Genome position (GRCh38, 1-based): chr4:147,539,871, T>A. VCF-style: chr4-147539871-T-A. GRCh37 (hg19) VCF-style: chr4-148461023-T-A.
Other names: c.628T>A, p.Trp210Arg (NM_001166055.2); short protein forms W210R, W319R.
Identifiers: ClinVar variation 3236382 (VCV003236382.1), dbSNP rs2530419456, ClinGen allele CA358422833.
Genomic context (GRCh38, chr4:147,539,871, plus strand): 5'-CTTTAGCGTCGAGAAGTGGCAAAAACAGTTTTCTGCTTGGTTGTAATTTTTGCTCTTTGC[T>A]GGTTCCCTCTTCATTTAAGCCGTATATTGAAGAAAACTGTGTATAACGAGATGGACAAGA-3'
Protein context (NP_001948.1, residues 309-329): FCLVVIFALC[Trp319Arg]FPLHLSRILK